The following is an entry in ClinVar:

ClinVar aggregate classification (germline): Pathogenic (1 of 4 stars; one submission).

Conditions:
Primary ciliary dyskinesia. Also called: Ciliary dyskinesia. Identifiers: Orphanet 244, MedGen C0008780, MONDO:0016575, HP:0012265.

Submission:

Labcorp Genetics (formerly Invitae), Labcorp
Classification: Pathogenic for Primary ciliary dyskinesia. Last evaluated: 2023-01-23. Review status: criteria provided, single submitter. Criteria: Invitae Variant Classification Sherloc (09022015). Collection method: clinical testing. Allele origin: germline.
Comment: For these reasons, this variant has been classified as Pathogenic. ClinVar contains an entry for this variant (Variation ID: 852106). This variant has not been reported in the literature in individuals affected with DNAI2-related conditions. This variant is not present in population databases (gnomAD no frequency). This sequence change creates a premature translational stop signal (p.Glu145*) in the DNAI2 gene. It is expected to result in an absent or disrupted protein product. Loss-of-function variants in DNAI2 are known to be pathogenic (PMID: 18950741, 23891469).

Literature cited by the submitters: PubMed 18950741; PubMed 23891469.

NM_023036.6(DNAI2):c.433G>T (p.Glu145Ter)

Gene: DNAI2 (dynein axonemal intermediate chain 2; plus strand). Cytogenetic location: 17q25.1.
Variant type: single nucleotide variant.
Coding change: c.433G>T on transcript NM_023036.6 (MANE Select); coding-DNA position 433, G replaced by T.
Protein change: p.Glu145Ter; replaces glutamic acid 145 with a stop codon.
Molecular consequence: nonsense.
Genome position (GRCh38, 1-based): chr17:74,287,064, G>T. VCF-style: chr17-74287064-G-T. GRCh37 (hg19) VCF-style: chr17-72283203-G-T.
Other names: c.433G>T, p.Glu145Ter (NM_001172810.3, NM_001353167.2); short protein forms E145*.
Identifiers: ClinVar variation 852106 (VCV000852106.8), dbSNP rs2051792816, ClinGen allele CA400904866.